The following is an entry in ClinVar:

NM_003743.5(NCOA1):c.713-4G>A

Gene: NCOA1 (nuclear receptor coactivator 1; plus strand). Cytogenetic location: 2p23.3.
Variant type: single nucleotide variant.
Coding change: c.713-4G>A on transcript NM_003743.5 (MANE Select); 4 bases into the intron before coding-DNA position 713, G replaced by A.
Molecular consequence: intron variant.
Genome position (GRCh38, 1-based): chr2:24,693,248, G>A. VCF-style: chr2-24693248-G-A. GRCh37 (hg19) VCF-style: chr2-24916117-G-A.
Other names: c.713-4G>A (NM_001362950.1, NM_147223.3, NM_001362955.1 and 3 more transcripts).
Identifiers: ClinVar variation 3358307 (VCV003358307.1).

ClinVar aggregate classification (germline): Likely benign (0 of 4 stars; one submission).

Conditions:
NCOA1-related disorder. Also called: NCOA1-related condition.

gnomAD v4.1: 26 of 1,613,696 alleles (0.0016%); highest among the groups gnomAD compares: East Asian, 0.049%; no homozygotes.

Submission:

PreventionGenetics, part of Exact Sciences
Classification: Likely benign for NCOA1-related condition. Last evaluated: 2023-11-28. Review status: no assertion criteria provided. Collection method: clinical testing. Allele origin: germline.
Comment: This variant is classified as likely benign based on ACMG/AMP sequence variant interpretation guidelines (Richards et al. 2015 PMID: 25741868, with internal and published modifications).